The following is an entry in ClinVar:

NM_000245.4(MET):c.955G>A (p.Ala319Thr)

Gene: MET (MET proto-oncogene, receptor tyrosine kinase; plus strand). Cytogenetic location: 7q31.2.
Variant type: single nucleotide variant.
Coding change: c.955G>A on transcript NM_000245.4 (MANE Select); coding-DNA position 955, G replaced by A.
Protein change: p.Ala319Thr; replaces alanine 319 with threonine.
Molecular consequence: missense variant. On other transcripts: intron variant (1).
Genome position (GRCh38, 1-based): chr7:116,700,039, G>A. VCF-style: chr7-116700039-G-A. GRCh37 (hg19) VCF-style: chr7-116340093-G-A.
Other names: c.955G>A, p.Ala319Thr (NM_001127500.3, NM_001324401.3); c.-91+27462G>A (NM_001324402.2); short protein forms A319T.
Identifiers: ClinVar variation 4827501 (VCV004827501.1).

ClinVar aggregate classification (germline): Uncertain significance (1 of 4 stars; one submission).

Conditions:
Hereditary cancer-predisposing syndrome. Also called: Neoplastic Syndromes, Hereditary; Tumor predisposition; Hereditary Cancer Syndrome; Hereditary neoplastic syndrome. Identifiers: Orphanet 140162, MedGen C0027672, MeSH D009386, MONDO:0015356.

gnomAD v4.1: 1 of 1,613,980 alleles (0.000062%); highest among the groups gnomAD compares: Admixed American, 0.0017%; no homozygotes.

Submission:

Ambry Genetics
Classification: Uncertain significance for Hereditary cancer-predisposing syndrome. Last evaluated: 2026-03-11. Review status: criteria provided, single submitter. Criteria: Ambry Variant Classification Scheme 2023. Collection method: clinical testing. Allele origin: germline.
Comment: The p.A319T variant (also known as c.955G>A), located in coding exon 1 of the MET gene, results from a G to A substitution at nucleotide position 955. The alanine at codon 319 is replaced by threonine, an amino acid with similar properties. This amino acid position is highly conserved in available vertebrate species. In addition, the in silico prediction for this alteration is inconclusive. Based on the available evidence, the clinical significance of this variant remains unclear.